The following is an entry in ClinVar:

NM_004522.3(KIF5C):c.580G>A (p.Ala194Thr)

Gene: KIF5C (kinesin family member 5C; plus strand). Cytogenetic location: 2q23.1.
Variant type: single nucleotide variant.
Coding change: c.580G>A on transcript NM_004522.3 (MANE Select); coding-DNA position 580, G replaced by A.
Protein change: p.Ala194Thr; replaces alanine 194 with threonine.
Molecular consequence: missense variant.
Genome position (GRCh38, 1-based): chr2:148,942,751, G>A. VCF-style: chr2-148942751-G-A. GRCh37 (hg19) VCF-style: chr2-149799265-G-A.
Other names: short protein forms A194T.
Identifiers: ClinVar variation 2630421 (VCV002630421.1), dbSNP rs2468217800, ClinGen allele CA348731183.

ClinVar aggregate classification (germline): Uncertain significance (1 of 4 stars; one submission).

Conditions:
KIF5C-related disorder. Also called: KIF5C-related condition.

Submission:

PreventionGenetics, part of Exact Sciences
Classification: Uncertain significance for KIF5C-related condition. Last evaluated: 2023-02-07. Review status: criteria provided, single submitter. Criteria: ACMG Guidelines, 2015. Collection method: clinical testing. Allele origin: germline.
Comment: The KIF5C c.580G>A variant is predicted to result in the amino acid substitution p.Ala194Thr. To our knowledge, this variant has not been reported in the literature or in a large population database, indicating this variant is rare. At this time, the clinical significance of this variant is uncertain due to the absence of conclusive functional and genetic evidence.